The following is an entry in ClinVar:

NM_005592.4(MUSK):c.221G>A (p.Arg74Gln)

Gene: MUSK (muscle associated receptor tyrosine kinase; plus strand). Cytogenetic location: 9q31.3.
Variant type: single nucleotide variant.
Coding change: c.221G>A on transcript NM_005592.4 (MANE Select); coding-DNA position 221, G replaced by A.
Protein change: p.Arg74Gln; replaces arginine 74 with glutamine.
Molecular consequence: missense variant.
Genome position (GRCh38, 1-based): chr9:110,687,131, G>A. VCF-style: chr9-110687131-G-A. GRCh37 (hg19) VCF-style: chr9-113449411-G-A.
Other names: c.221G>A, p.Arg74Gln (NM_001166280.2, NM_001166281.2); short protein forms R74Q.
Identifiers: ClinVar variation 1404809 (VCV001404809.4), dbSNP rs758118087, ClinGen allele CA5183966.
Genomic context (GRCh38, chr9:110,687,131, plus strand): 5'-ATCACAGAGGAAGCACTAATCTGTCATTTTTTTCTGTGACCTGCAGACTCTTTGACACCC[G>A]GTACAGCATCCGGGAGAATGGGCAGCTCCTCACCATCCTGAGTGTGGAAGACAGTGATGA-3'
Protein context (NP_005583.1, residues 64-84): NKILIKLFDT[Arg74Gln]YSIRENGQLL

ClinVar aggregate classification (germline): Uncertain significance. Review status: criteria provided, multiple submitters, no conflicts (2 of 4 stars). 2 submissions from 2 submitters: Uncertain significance (2). Last evaluated 2023-10-16.

Conditions:
Fetal akinesia deformation sequence 1 (FADS1). Also called: Fetal akinesia sequence; Pena-Shokeir syndrome type I. Identifiers: Orphanet 994, MedGen C1276035, MONDO:0100101, OMIM 208150, HP:0001989.
Congenital myasthenic syndrome 9. Also called: Myasthenic syndrome, congenital, 9, associated with acetylcholine receptor deficiency. Identifiers: Orphanet 590, MedGen C4225368, MONDO:0014587, OMIM 616325.

Allele frequency attached by ClinVar (database versions not stated): gnomAD 0.00001; ExAC 0.00002; gnomAD exomes 0.00002; TOPMed 0.00002.
gnomAD v4.1: 20 of 1,613,118 alleles (0.0012%); highest among the groups gnomAD compares: Admixed American, 0.0033%; no homozygotes.

Submissions (2):

Blueprint Genetics
Classification: Uncertain significance. Last evaluated: 2023-10-16. Review status: criteria provided, single submitter. Criteria: ACMG Guidelines, 2015. Collection method: clinical testing. Allele origin: germline.

Labcorp Genetics (formerly Invitae), Labcorp
Classification: Uncertain significance for Congenital myasthenic syndrome 9; Fetal akinesia deformation sequence 1. Last evaluated: 2021-08-20. Review status: criteria provided, single submitter. Criteria: Invitae Variant Classification Sherloc (09022015). Collection method: clinical testing. Allele origin: germline.
Comment: This sequence change replaces arginine with glutamine at codon 74 of the MUSK protein (p.Arg74Gln). The arginine residue is highly conserved and there is a small physicochemical difference between arginine and glutamine. This variant is present in population databases (rs758118087, ExAC 0.02%). This variant has not been reported in the literature in individuals affected with MUSK-related conditions. Advanced modeling of protein sequence and biophysical properties (such as structural, functional, and spatial information, amino acid conservation, physicochemical variation, residue mobility, and thermodynamic stability) performed at Invitae indicates that this missense variant is expected to disrupt MUSK protein function. In summary, the available evidence is currently insufficient to determine the role of this variant in disease. Therefore, it has been classified as a Variant of Uncertain Significance.